The following is an entry in ClinVar:

ClinVar aggregate classification (germline): Uncertain significance (1 of 4 stars; one submission).

Submission:

Labcorp Genetics (formerly Invitae), Labcorp
Classification: Uncertain significance. Last evaluated: 2023-01-08. Review status: criteria provided, single submitter. Criteria: Invitae Variant Classification Sherloc (09022015). Collection method: clinical testing. Allele origin: germline.
Comment: In summary, the available evidence is currently insufficient to determine the role of this variant in disease. Therefore, it has been classified as a Variant of Uncertain Significance. Algorithms developed to predict the effect of sequence changes on RNA splicing suggest that this variant may disrupt the consensus splice site. This variant has not been reported in the literature in individuals affected with EMC1-related conditions. This variant is not present in population databases (gnomAD no frequency). This sequence change falls in intron 6 of the EMC1 gene. It does not directly change the encoded amino acid sequence of the EMC1 protein.

NM_015047.3(EMC1):c.637-4G>A

Genes: EMC1 (ER membrane protein complex subunit 1; minus strand), EMC1-AS1 (EMC1 antisense RNA 1; plus strand). Cytogenetic location: 1p36.13.
Variant type: single nucleotide variant.
Coding change: c.637-4G>A on transcript NM_015047.3 (MANE Select); 4 bases into the intron before coding-DNA position 637, G replaced by A.
Molecular consequence: intron variant. On other transcripts: non-coding transcript variant (1).
Genome position (GRCh38, 1-based): chr1:19,240,450, C>T on the plus strand (G>A on the coding strand, the complement: EMC1 is on the minus strand). VCF-style: chr1-19240450-C-T. GRCh37 (hg19) VCF-style: chr1-19566944-C-T.
Other names: c.571-4G>A (NM_001271429.2); c.637-4G>A (NM_001271427.2, NM_001375821.1, NM_001271428.2 and 1 more transcripts).
Identifiers: ClinVar variation 2827039 (VCV002827039.3), dbSNP rs2536785250, ClinGen allele CA416430290.